The following is an entry in ClinVar:

ClinVar aggregate classification (germline): Uncertain significance (1 of 4 stars; one submission).

Conditions:
Cornelia de Lange syndrome 4 (CDLS4). Also called: RAD21-Related Cornelia de Lange Syndrome; CORNELIA DE LANGE SYNDROME 4 WITH OR WITHOUT MIDLINE BRAIN DEFECTS. Identifiers: Orphanet 199, MedGen C3553517, MONDO:0013864, OMIM 614701.

gnomAD v4.1: 2 of 1,607,032 alleles (0.00012%); highest among the groups gnomAD compares: Admixed American, 0.0033%; no homozygotes.

Submission:

Labcorp Genetics (formerly Invitae), Labcorp
Classification: Uncertain significance for Cornelia de Lange syndrome 4. Last evaluated: 2024-06-21. Review status: criteria provided, single submitter. Criteria: Invitae Variant Classification Sherloc (09022015). Collection method: clinical testing. Allele origin: germline.
Comment: This sequence change falls in intron 4 of the RAD21 gene. It does not directly change the encoded amino acid sequence of the RAD21 protein. It affects a nucleotide within the consensus splice site. This variant is present in population databases (rs752121875, gnomAD 0.006%). This variant has not been reported in the literature in individuals affected with RAD21-related conditions. Variants that disrupt the consensus splice site are a relatively common cause of aberrant splicing (PMID: 17576681, 9536098). Algorithms developed to predict the effect of sequence changes on RNA splicing suggest that this variant is not likely to affect RNA splicing. In summary, the available evidence is currently insufficient to determine the role of this variant in disease. Therefore, it has been classified as a Variant of Uncertain Significance.

Literature cited by the submitters: PubMed 17576681; PubMed 9536098.

NM_006265.3(RAD21):c.375-3A>C

Gene: RAD21 (RAD21 cohesin complex component; minus strand). Cytogenetic location: 8q24.11.
Variant type: single nucleotide variant.
Coding change: c.375-3A>C on transcript NM_006265.3 (MANE Select); 3 bases into the intron before coding-DNA position 375, A replaced by C.
Molecular consequence: intron variant.
Genome position (GRCh38, 1-based): chr8:116,858,461, T>G on the plus strand (A>C on the coding strand, the complement: RAD21 is on the minus strand). VCF-style: chr8-116858461-T-G. GRCh37 (hg19) VCF-style: chr8-117870700-T-G.
Identifiers: ClinVar variation 3668907 (VCV003668907.2).